The following is an entry in ClinVar:

ClinVar aggregate classification (germline): Uncertain significance. Review status: criteria provided, multiple submitters, no conflicts (2 of 4 stars). 5 submissions from 5 submitters: Uncertain significance (5). Last evaluated 2026-01-04.

Conditions:
POLD1-related polyposis and colorectal cancer syndrome (CRCS10). Also called: COLORECTAL CANCER, SUSCEPTIBILITY TO, ON CHROMOSOME 19q; Colorectal cancer 10; Colorectal cancer, susceptibility to, 10. Identifiers: Orphanet 220460, MedGen C2675481, MONDO:0012953, OMIM 612591.
Hereditary cancer-predisposing syndrome. Also called: Hereditary Cancer Syndrome; Neoplastic Syndromes, Hereditary; Hereditary neoplastic syndrome; Tumor predisposition. Identifiers: Orphanet 140162, MedGen C0027672, MeSH D009386, MONDO:0015356.

Allele frequency attached by ClinVar (database versions not stated): gnomAD 0.00002; TOPMed 0.00002; gnomAD exomes 0.00003.
gnomAD v4.1: 43 of 1,566,112 alleles (0.0027%); highest among the groups gnomAD compares: Non-Finnish European, 0.0035%; no homozygotes.

Submissions (5):

Labcorp Genetics (formerly Invitae), Labcorp
Classification: Uncertain significance for POLD1-related polyposis and colorectal cancer syndrome. Last evaluated: 2026-01-04. Review status: criteria provided, single submitter. Criteria: Invitae Variant Classification Sherloc (09022015). Collection method: clinical testing. Allele origin: germline.
Comment: This sequence change replaces arginine, which is basic and polar, with leucine, which is neutral and non-polar, at codon 855 of the POLD1 protein (p.Arg855Leu). This variant also falls at the last nucleotide of exon 20, which is part of the consensus splice site for this exon. This variant is present in population databases (no rsID available, gnomAD 0.008%). This variant has not been reported in the literature in individuals affected with POLD1-related conditions. ClinVar contains an entry for this variant (Variation ID: 239302). An algorithm developed to predict the effect of missense changes on protein structure and function (PolyPhen-2) suggests that this variant is likely to be disruptive. Variants that disrupt the consensus splice site are a relatively common cause of aberrant splicing (PMID: 17576681, 9536098). Studies have shown that this missense change is associated with inconclusive levels of altered splicing (internal data). In summary, the available evidence is currently insufficient to determine the role of this variant in disease. Therefore, it has been classified as a Variant of Uncertain Significance.

Center for Genomic Medicine, Rigshospitalet, Copenhagen University Hospital
Classification: Uncertain significance. Last evaluated: 2025-03-04. Review status: criteria provided, single submitter. Criteria: ACMG Guidelines, 2015. Collection method: clinical testing. Allele origin: germline.

Ambry Genetics
Classification: Uncertain significance for Hereditary cancer-predisposing syndrome. Last evaluated: 2024-12-03. Review status: criteria provided, single submitter. Criteria: Ambry Variant Classification Scheme 2023. Collection method: clinical testing. Allele origin: germline.
Comment: The p.R855L variant (also known as c.2564G>T), located in coding exon 19 of the POLD1 gene, results from a G to T substitution at nucleotide position 2564. The arginine at codon 855 is replaced by leucine, an amino acid with dissimilar properties. However, this change occurs in the last base pair of coding exon 19, which makes it likely to have some effect on normal mRNA splicing. This nucleotide position is highly conserved in available vertebrate species. This amino acid position is highly conserved in available vertebrate species. In silico splice site analysis predicts that this alteration may result in the creation or strengthening of a novel splice donor site. In addition, as a missense substitution this alteration is predicted to be tolerated by in silico analysis. Based on the available evidence, the clinical significance of this variant remains unclear.

Blueprint Genetics
Classification: Uncertain significance. Last evaluated: 2024-05-06. Review status: criteria provided, single submitter. Criteria: ACMG Guidelines, 2015. Collection method: clinical testing. Allele origin: germline.

GeneDx
Classification: Uncertain significance. Last evaluated: 2024-05-03. Review status: criteria provided, single submitter. Criteria: GeneDx Variant Classification Process June 2021. Collection method: clinical testing. Allele origin: germline. Affected: yes.
Comment: In silico analysis supports that this missense variant has a deleterious effect on protein structure/function; Has not been previously published as pathogenic or benign to our knowledge; In silico analysis suggests this variant may impact gene splicing. In the absence of RNA/functional studies, the actual effect of this sequence change is unknown.

Literature cited by the submitters: PubMed 17576681 (cited by Labcorp Genetics (formerly Invitae), Labcorp); PubMed 9536098 (cited by Labcorp Genetics (formerly Invitae), Labcorp).

NM_002691.4(POLD1):c.2564G>T (p.Arg855Leu)

Gene: POLD1 (DNA polymerase delta 1, catalytic subunit; plus strand). Cytogenetic location: 19q13.33.
Variant type: single nucleotide variant.
Coding change: c.2564G>T on transcript NM_002691.4 (MANE Select); coding-DNA position 2564, G replaced by T.
Protein change: p.Arg855Leu; replaces arginine 855 with leucine.
Molecular consequence: missense variant. On other transcripts: non-coding transcript variant (1).
Genome position (GRCh38, 1-based): chr19:50,414,990, G>T. VCF-style: chr19-50414990-G-T. GRCh37 (hg19) VCF-style: chr19-50918247-G-T.
Other names: c.2564G>T, p.Arg855Leu (NM_001256849.1); c.2642G>T, p.Arg881Leu (NM_001308632.1); c.2564G>T (NM_002691.2); short protein forms R855L, R881L.
Identifiers: ClinVar variation 239302 (VCV000239302.15), dbSNP rs868847470, ClinGen allele CA9596559.